The following is an entry in ClinVar:

NM_017646.6(TRIT1):c.53G>T (p.Gly18Val)

Genes: MYCL-AS1 (MYCL antisense RNA 1; plus strand), TRIT1 (tRNA isopentenyltransferase 1; minus strand). Cytogenetic location: 1p34.2.
Variant type: single nucleotide variant.
Coding change: c.53G>T on transcript NM_017646.6 (MANE Select); coding-DNA position 53, G replaced by T.
Protein change: p.Gly18Val; replaces glycine 18 with valine.
Molecular consequence: missense variant.
Genome position (GRCh38, 1-based): chr1:39,883,439, C>A on the plus strand (G>T on the coding strand, the complement: TRIT1 is on the minus strand). VCF-style: chr1-39883439-C-A. GRCh37 (hg19) VCF-style: chr1-40349111-C-A.
Other names: c.53G>T, p.Gly18Val (NM_001312691.2, NM_001312692.2); short protein forms G18V.
Identifiers: ClinVar variation 1195476 (VCV001195476.8), dbSNP rs146989823, ClinGen allele CA788217.

ClinVar aggregate classification (germline): Benign/Likely benign. Review status: criteria provided, multiple submitters, no conflicts (2 of 4 stars). 4 submissions from 4 submitters: Benign (1); Likely benign (2). 1 of the submissions does not count toward it. Last evaluated 2024-09-06.

Conditions:
TRIT1-related disorder. Also called: TRIT1-related condition.

Allele frequency attached by ClinVar (database versions not stated): gnomAD 0.00003 and 0.00029; gnomAD exomes 0.00086; ExAC 0.00112; 1000 Genomes Project 0.00280; 1000 Genomes Project 30x 0.00344.
gnomAD v4.1: 668 of 1,610,932 alleles (0.041%); highest among the groups gnomAD compares: South Asian, 0.68%; 3 homozygotes.

Submissions (4):

Labcorp Genetics (formerly Invitae), Labcorp
Classification: Benign. Last evaluated: 2024-09-06. Review status: criteria provided, single submitter. Criteria: Invitae Variant Classification Sherloc (09022015). Collection method: clinical testing. Allele origin: germline.

Blueprint Genetics
Classification: Likely benign. Last evaluated: 2024-06-28. Review status: criteria provided, single submitter. Criteria: ACMG Guidelines, 2015. Collection method: clinical testing. Allele origin: germline.

GeneDx
Classification: Likely benign. Last evaluated: 2020-09-07. Review status: criteria provided, single submitter. Criteria: GeneDx Variant Classification Process June 2021. Collection method: clinical testing. Allele origin: germline. Affected: yes.

PreventionGenetics, part of Exact Sciences
Classification: Likely benign for TRIT1-related condition. Last evaluated: 2019-06-19. Review status: no assertion criteria provided. Collection method: clinical testing. Allele origin: germline. Not counted in ClinVar's aggregate classification.
Comment: This variant is classified as likely benign based on ACMG/AMP sequence variant interpretation guidelines (Richards et al. 2015 PMID: 25741868, with internal and published modifications).